The following is an entry in ClinVar:

NM_007194.4(CHEK2):c.414A>G (p.Thr138=)

Gene: CHEK2 (checkpoint kinase 2; minus strand). Cytogenetic location: 22q12.1.
Variant type: single nucleotide variant.
Coding change: c.414A>G on transcript NM_007194.4 (MANE Select); coding-DNA position 414, A replaced by G.
Protein change: p.Thr138=; no amino-acid change (threonine 138 retained).
Molecular consequence: synonymous variant.
Genome position (GRCh38, 1-based): chr22:28,725,273, T>C on the plus strand (A>G on the coding strand, the complement: CHEK2 is on the minus strand). VCF-style: chr22-28725273-T-C. GRCh37 (hg19) VCF-style: chr22-29121261-T-C.
Other names: c.543A>G, p.Thr181= (NM_001005735.3); c.-364A>G (NM_001257387.3); c.414A>G, p.Thr138= (NM_001349956.3, NM_145862.3).
Identifiers: ClinVar variation 483387 (VCV000483387.16), dbSNP rs876658162, ClinGen allele CA514168968.

ClinVar aggregate classification (germline): Benign/Likely benign. Review status: criteria provided, multiple submitters, no conflicts (2 of 4 stars). 4 submissions from 4 submitters: Benign (1); Likely benign (3). Last evaluated 2025-12-10.

Conditions:
Familial cancer of breast. Also called: BREAST CANCER, FAMILIAL; Hereditary breast cancer; hereditary breast carcinoma. Identifiers: Orphanet 227535, MedGen C0346153, MONDO:0016419, OMIM 114480. Disease mechanism: loss of function.
Hereditary cancer-predisposing syndrome. Also called: Neoplastic Syndromes, Hereditary; Tumor predisposition; Hereditary Cancer Syndrome; Hereditary neoplastic syndrome. Identifiers: Orphanet 140162, MedGen C0027672, MeSH D009386, MONDO:0015356.

Submissions (4):

Labcorp Genetics (formerly Invitae), Labcorp
Classification: Likely benign for Familial cancer of breast. Last evaluated: 2025-12-10. Review status: criteria provided, single submitter. Criteria: Invitae Variant Classification Sherloc (09022015). Collection method: clinical testing. Allele origin: germline.

Myriad Genetics, Inc.
Classification: Benign for Familial cancer of breast. Last evaluated: 2024-10-02. Review status: criteria provided, single submitter. Criteria: Myriad Autosomal Dominant, Autosomal Recessive and X-Linked Classification Criteria (2023). Collection method: clinical testing. Allele origin: unknown.
Comment: This variant is considered benign. This variant is a silent/synonymous amino acid change and it is not expected to impact splicing.

Color Diagnostics, LLC DBA Color Health
Classification: Likely benign for Hereditary cancer-predisposing syndrome. Last evaluated: 2023-06-20. Review status: criteria provided, single submitter. Criteria: ACMG Guidelines, 2015. Collection method: clinical testing. Allele origin: germline.

Ambry Genetics
Classification: Likely benign for Hereditary cancer-predisposing syndrome. Last evaluated: 2017-04-19. Review status: criteria provided, single submitter. Criteria: Ambry Variant Classification Scheme 2023. Collection method: clinical testing. Allele origin: germline.